The following is an entry in ClinVar:

NM_002474.3(MYH11):c.4094A>G (p.His1365Arg)

Genes: NDE1 (nudE neurodevelopment protein 1; plus strand), MYH11 (myosin heavy chain 11; minus strand). Cytogenetic location: 16p13.11.
Variant type: single nucleotide variant.
Coding change: c.4094A>G on transcript NM_002474.3 (MANE Select); coding-DNA position 4094, A replaced by G.
Protein change: p.His1365Arg; replaces histidine 1365 with arginine.
Molecular consequence: missense variant. On other transcripts: 3 prime UTR variant (2).
Genome position (GRCh38, 1-based): chr16:15,724,669, T>C on the plus strand (A>G on the coding strand, the complement: MYH11 is on the minus strand). VCF-style: chr16-15724669-T-C. GRCh37 (hg19) VCF-style: chr16-15818526-T-C.
Other names: c.4115A>G, p.His1372Arg (NM_001040113.2, NM_001040114.2); c.4094A>G, p.His1365Arg (NM_022844.3); c.*418T>C (NM_001143979.2, NM_017668.3); short protein forms H1365R, H1372R.
Identifiers: ClinVar variation 1052848 (VCV001052848.12), dbSNP rs138730904, ClinGen allele CA278606434.

ClinVar aggregate classification (germline): Uncertain significance. Review status: criteria provided, multiple submitters, no conflicts (2 of 4 stars). 3 submissions from 3 submitters: Uncertain significance (3). Last evaluated 2025-10-07.

Conditions:
Familial thoracic aortic aneurysm and aortic dissection (TAAD). Also called: Thoracic aortic aneurysms and dissections. Identifiers: Orphanet 91387, MedGen C4707243, MONDO:0019625.
Aortic aneurysm, familial thoracic 4 (AAT4). Also called: AORTIC ANEURYSM/AORTIC DISSECTION AND PATENT DUCTUS ARTERIOSUS. Identifiers: MedGen C1851504, MONDO:0007568, OMIM 132900.

Allele frequency attached by ClinVar (database versions not stated): gnomAD exomes below 0.00001; TOPMed below 0.00001; gnomAD 0.00001; ESP Exome Variant Server 0.00015.
gnomAD v4.1: 2 of 1,614,054 alleles (0.00012%); highest among the groups gnomAD compares: African/African-American, 0.0027%; no homozygotes.

Submissions (3):

Labcorp Genetics (formerly Invitae), Labcorp
Classification: Uncertain significance for Aortic aneurysm, familial thoracic 4. Last evaluated: 2025-10-07. Review status: criteria provided, single submitter. Criteria: Invitae Variant Classification Sherloc (09022015). Collection method: clinical testing. Allele origin: germline.
Comment: This sequence change replaces histidine, which is basic and polar, with arginine, which is basic and polar, at codon 1372 of the MYH11 protein (p.His1372Arg). This variant is not present in population databases (gnomAD no frequency). This variant has not been reported in the literature in individuals affected with MYH11-related conditions. ClinVar contains an entry for this variant (Variation ID: 1052848). Invitae Evidence Modeling of protein sequence and biophysical properties (such as structural, functional, and spatial information, amino acid conservation, physicochemical variation, residue mobility, and thermodynamic stability) indicates that this missense variant is not expected to disrupt MYH11 protein function with a negative predictive value of 95%. In summary, the available evidence is currently insufficient to determine the role of this variant in disease. Therefore, it has been classified as a Variant of Uncertain Significance.

All of Us Research Program, National Institutes of Health
Classification: Uncertain significance for Familial thoracic aortic aneurysm and aortic dissection. Last evaluated: 2023-08-23. Review status: criteria provided, single submitter. Criteria: ACMG Guidelines, 2015. Collection method: clinical testing. Allele origin: germline. Inheritance: Autosomal dominant inheritance. Observed: 1 variant allele, 1 heterozygote.
Comment: This missense variant replaces histidine with arginine at codon 1372 of the MYH11 protein. Computational prediction suggests that this variant may not impact protein structure and function (internally defined REVEL score threshold <= 0.5, PMID: 27666373). To our knowledge, functional studies have not been reported for this variant. This variant has not been reported in individuals affected with MYH11-related disorders in the literature. This variant has been identified in 1/251034 chromosomes in the general population by the Genome Aggregation Database (gnomAD). The available evidence is insufficient to determine the role of this variant in disease conclusively. Therefore, this variant is classified as a Variant of Uncertain Significance.

This study involves interpretation of variants in research participants for the purpose of population health screening. Participant phenotype was not available at the time of variant classification. Additional details can be found in publication PMID: 35346344, PMCID: PMC8962531

Ambry Genetics
Classification: Uncertain significance for Familial thoracic aortic aneurysm and aortic dissection. Last evaluated: 2022-02-07. Review status: criteria provided, single submitter. Criteria: Ambry Variant Classification Scheme 2023. Collection method: clinical testing. Allele origin: germline.
Comment: The p.H1365R variant (also known as c.4094A>G), located in coding exon 29 of the MYH11 gene, results from an A to G substitution at nucleotide position 4094. The histidine at codon 1365 is replaced by arginine, an amino acid with highly similar properties. This amino acid position is conserved. In addition, the in silico prediction for this alteration is inconclusive. Since supporting evidence is limited at this time, the clinical significance of this alteration remains unclear.